The following is an entry in ClinVar:

ClinVar aggregate classification (germline): Pathogenic/Likely pathogenic. Review status: criteria provided, multiple submitters, no conflicts (2 of 4 stars). 2 submissions from 2 submitters: Pathogenic (1); Likely pathogenic (1). Last evaluated 2025-02-09.

Conditions:
Autism spectrum disorder - epilepsy - arthrogryposis syndrome (AMRS). Identifiers: Orphanet 370943, MedGen C3809910, MONDO:0014248, OMIM 615553.

Submissions (2):

Natera, Inc.
Classification: Likely pathogenic for Arthrogryposis, mental retardation, and seizures. Last evaluated: 2025-02-09. Review status: criteria provided, single submitter. Criteria: Natera Variant Classification Schema (03/2026). Collection method: clinical testing. Allele origin: germline.
Comment: The c.811G>T variant in SLC35A3 is a nonsense variant predicted to introduce a stop codon at amino acid 271. This variant is expected to result in nonsense mediated decay, truncation, or a dysfunctional protein product. This variant is rare in the general population with a frequency below the threshold expected for the associated phenotype(s). Given the available evidence, this variant is classified as Likely Pathogenic.

Labcorp Genetics (formerly Invitae), Labcorp
Classification: Pathogenic for Autism spectrum disorder - epilepsy - arthrogryposis syndrome. Last evaluated: 2023-06-17. Review status: criteria provided, single submitter. Criteria: Invitae Variant Classification Sherloc (09022015). Collection method: clinical testing. Allele origin: germline.
Comment: This sequence change creates a premature translational stop signal (p.Gly271*) in the SLC35A3 gene. It is expected to result in an absent or disrupted protein product. Loss-of-function variants in SLC35A3 are known to be pathogenic (PMID: 24031089, 28328131). For these reasons, this variant has been classified as Pathogenic. This variant has not been reported in the literature in individuals affected with SLC35A3-related conditions. This variant is not present in population databases (gnomAD no frequency).

Literature cited by the submitters: PubMed 24031089 (cited by Labcorp Genetics (formerly Invitae), Labcorp); PubMed 28328131 (cited by Labcorp Genetics (formerly Invitae), Labcorp).

NM_012243.3(SLC35A3):c.811G>T (p.Gly271Ter)

Gene: SLC35A3 (solute carrier family 35 member A3; plus strand). Cytogenetic location: 1p21.2.
Variant type: single nucleotide variant.
Coding change: c.811G>T on transcript NM_012243.3 (MANE Select); coding-DNA position 811, G replaced by T.
Protein change: p.Gly271Ter; replaces glycine 271 with a stop codon.
Molecular consequence: nonsense. On other transcripts: intron variant (1).
Genome position (GRCh38, 1-based): chr1:100,017,739, G>T. VCF-style: chr1-100017739-G-T. GRCh37 (hg19) VCF-style: chr1-100483295-G-T.
Other names: c.937G>T, p.Gly313Ter (NM_001271685.2); c.635-4647G>T (NM_001271684.2); c.811G>T (NM_012243.2); short protein forms G271*, G313*.
Identifiers: ClinVar variation 2783637 (VCV002783637.4), dbSNP rs2524628532, ClinGen allele CA341317459.